The following is an entry in ClinVar:

ClinVar aggregate classification (germline): Uncertain significance (1 of 4 stars; one submission).

gnomAD v4.1: 7 of 1,614,022 alleles (0.00043%); highest among the groups gnomAD compares: Non-Finnish European, 0.00059%; no homozygotes.

Submission:

Labcorp Genetics (formerly Invitae), Labcorp
Classification: Uncertain significance. Last evaluated: 2022-11-13. Review status: criteria provided, single submitter. Criteria: Invitae Variant Classification Sherloc (09022015). Collection method: clinical testing. Allele origin: germline.
Comment: This sequence change replaces arginine, which is basic and polar, with proline, which is neutral and non-polar, at codon 246 of the CYP11B1 protein (p.Arg246Pro). This variant is not present in population databases (gnomAD no frequency). This variant has not been reported in the literature in individuals affected with CYP11B1-related conditions. Advanced modeling of protein sequence and biophysical properties (such as structural, functional, and spatial information, amino acid conservation, physicochemical variation, residue mobility, and thermodynamic stability) performed at Invitae indicates that this missense variant is expected to disrupt CYP11B1 protein function. In summary, the available evidence is currently insufficient to determine the role of this variant in disease. Therefore, it has been classified as a Variant of Uncertain Significance.

NM_000497.4(CYP11B1):c.737G>C (p.Arg246Pro)

Genes: CYP11B1 (cytochrome P450 family 11 subfamily B member 1; minus strand), LOC106799833 (CYP11B1 recombination region; plus strand). Cytogenetic location: 8q24.3.
Variant type: single nucleotide variant.
Coding change: c.737G>C on transcript NM_000497.4 (MANE Select); coding-DNA position 737, G replaced by C.
Protein change: p.Arg246Pro; replaces arginine 246 with proline.
Molecular consequence: missense variant.
Genome position (GRCh38, 1-based): chr8:142,876,744, C>G on the plus strand (G>C on the coding strand, the complement: CYP11B1 is on the minus strand). VCF-style: chr8-142876744-C-G. GRCh37 (hg19) VCF-style: chr8-143958160-C-G.
Other names: c.737G>C, p.Arg246Pro (NM_001026213.1); short protein forms R246P.
Identifiers: ClinVar variation 2909757 (VCV002909757.3), dbSNP rs148066255, ClinGen allele CA372395517.